The following is an entry in ClinVar:

ClinVar aggregate classification (germline): Uncertain significance. Review status: criteria provided, multiple submitters, no conflicts (2 of 4 stars). 2 submissions from 2 submitters: Uncertain significance (2). Last evaluated 2025-09-02.

Conditions:
DICER1-related tumor predisposition. Also called: DICER1-related pleuropulmonary blastoma cancer predisposition syndrome; DICER1 syndrome. Identifiers: Orphanet 284343, MedGen C3839822, MONDO:0100216.
Hereditary cancer-predisposing syndrome. Also called: Hereditary neoplastic syndrome; Neoplastic Syndromes, Hereditary; Hereditary Cancer Syndrome; Tumor predisposition. Identifiers: Orphanet 140162, MedGen C0027672, MeSH D009386, MONDO:0015356.

Allele frequency attached by ClinVar (database versions not stated): gnomAD exomes below 0.00001; gnomAD 0.00001.
gnomAD v4.1: 2 of 1,614,114 alleles (0.00012%); highest among the groups gnomAD compares: Non-Finnish European, 0.00017%; no homozygotes.

Submissions (2):

Ambry Genetics
Classification: Uncertain significance for Hereditary cancer-predisposing syndrome. Last evaluated: 2025-09-02. Review status: criteria provided, single submitter. Criteria: Ambry Variant Classification Scheme 2023. Collection method: clinical testing. Allele origin: germline.
Comment: The p.Y390C variant (also known as c.1169A>G), located in coding exon 7 of the DICER1 gene, results from an A to G substitution at nucleotide position 1169. The tyrosine at codon 390 is replaced by cysteine, an amino acid with highly dissimilar properties. This amino acid position is not well conserved in available vertebrate species. In addition, this alteration is predicted to be tolerated by in silico analysis. Based on the available evidence, the clinical significance of this variant remains unclear.

Labcorp Genetics (formerly Invitae), Labcorp
Classification: Uncertain significance for DICER1-related tumor predisposition. Last evaluated: 2024-05-27. Review status: criteria provided, single submitter. Criteria: Invitae Variant Classification Sherloc (09022015). Collection method: clinical testing. Allele origin: germline.
Comment: This sequence change replaces tyrosine, which is neutral and polar, with cysteine, which is neutral and slightly polar, at codon 390 of the DICER1 protein (p.Tyr390Cys). This variant is not present in population databases (gnomAD no frequency). This variant has not been reported in the literature in individuals affected with DICER1-related conditions. ClinVar contains an entry for this variant (Variation ID: 1419122). Advanced modeling of protein sequence and biophysical properties (such as structural, functional, and spatial information, amino acid conservation, physicochemical variation, residue mobility, and thermodynamic stability) performed at Invitae indicates that this missense variant is not expected to disrupt DICER1 protein function with a negative predictive value of 80%. In summary, the available evidence is currently insufficient to determine the role of this variant in disease. Therefore, it has been classified as a Variant of Uncertain Significance.

NM_177438.3(DICER1):c.1169A>G (p.Tyr390Cys)

Gene: DICER1 (dicer 1, ribonuclease III; minus strand). Cytogenetic location: 14q32.13.
Variant type: single nucleotide variant.
Coding change: c.1169A>G on transcript NM_177438.3 (MANE Select); coding-DNA position 1169, A replaced by G.
Protein change: p.Tyr390Cys; replaces tyrosine 390 with cysteine.
Molecular consequence: missense variant.
Genome position (GRCh38, 1-based): chr14:95,124,403, T>C on the plus strand (A>G on the coding strand, the complement: DICER1 is on the minus strand). VCF-style: chr14-95124403-T-C. GRCh37 (hg19) VCF-style: chr14-95590740-T-C.
Other names: c.1169A>G, p.Tyr390Cys (NM_001195573.1, NM_001271282.3, NM_001291628.2 and 1 more transcripts); short protein forms Y390C.
Identifiers: ClinVar variation 1419122 (VCV001419122.10), dbSNP rs2140204153, ClinGen allele CA390886812.